The following is an entry in ClinVar:

ClinVar aggregate classification (germline): Uncertain significance (1 of 4 stars; one submission).

Submission:

GeneDx
Classification: Uncertain significance. Last evaluated: 2018-08-27. Review status: criteria provided, single submitter. Criteria: GeneDx Variant Classification Process June 2021. Collection method: clinical testing. Allele origin: germline. Affected: yes.
Comment: Not observed in large population cohorts (Lek et al., 2016; McVean et al., 2012; Exome Variant Server); In silico analysis, which includes protein predictors and evolutionary conservation, supports that this variant does not alter protein structure/function; Has not been previously published as pathogenic or benign to our knowledge

NM_021625.5(TRPV4):c.1390C>G (p.Arg464Gly)

Gene: TRPV4 (transient receptor potential cation channel subfamily V member 4; minus strand). Cytogenetic location: 12q24.11.
Variant type: single nucleotide variant.
Coding change: c.1390C>G on transcript NM_021625.5 (MANE Select); coding-DNA position 1390, C replaced by G.
Protein change: p.Arg464Gly; replaces arginine 464 with glycine.
Molecular consequence: missense variant.
Genome position (GRCh38, 1-based): chr12:109,794,430, G>C on the plus strand (C>G on the coding strand, the complement: TRPV4 is on the minus strand). VCF-style: chr12-109794430-G-C. GRCh37 (hg19) VCF-style: chr12-110232235-G-C.
Other names: c.1249C>G, p.Arg417Gly (NM_001177428.2); c.1288C>G, p.Arg430Gly (NM_001177431.2); c.1069C>G, p.Arg357Gly (NM_001177433.2); c.1210C>G, p.Arg404Gly (NM_147204.3); short protein forms R357G, R404G, R417G, R430G, R464G.
Identifiers: ClinVar variation 1320395 (VCV001320395.2), dbSNP rs373049874, ClinGen allele CA386653104.